The following is an entry in ClinVar:

ClinVar aggregate classification (germline): Uncertain significance (1 of 4 stars; one submission).

Allele frequency attached by ClinVar (database versions not stated): gnomAD exomes below 0.00001; gnomAD 0.00001; TOPMed 0.00001.
gnomAD v4.1: 32 of 1,614,020 alleles (0.002%); highest among the groups gnomAD compares: Non-Finnish European, 0.0026%; no homozygotes.

Submission:

GeneDx
Classification: Uncertain significance. Last evaluated: 2020-06-24. Review status: criteria provided, single submitter. Criteria: GeneDx Variant Classification Process June 2021. Collection method: clinical testing. Allele origin: germline. Affected: yes.
Comment: Not observed at a significant frequency in large population cohorts (Lek et al., 2016); In silico analysis supports that this missense variant does not alter protein structure/function; Has not been previously published as pathogenic or benign to our knowledge

NM_182961.4(SYNE1):c.5434G>C (p.Glu1812Gln)

Gene: SYNE1 (spectrin repeat containing nuclear envelope protein 1; minus strand). Cytogenetic location: 6q25.2.
Variant type: single nucleotide variant.
Coding change: c.5434G>C on transcript NM_182961.4 (MANE Select); coding-DNA position 5434, G replaced by C.
Protein change: p.Glu1812Gln; replaces glutamic acid 1812 with glutamine.
Molecular consequence: missense variant.
Genome position (GRCh38, 1-based): chr6:152,417,003, C>G on the plus strand (G>C on the coding strand, the complement: SYNE1 is on the minus strand). VCF-style: chr6-152417003-C-G. GRCh37 (hg19) VCF-style: chr6-152738138-C-G.
Other names: c.5455G>C, p.Glu1819Gln (NM_033071.5); short protein forms E1812Q, E1819Q.
Identifiers: ClinVar variation 1312790 (VCV001312790.2), dbSNP rs1165810511, ClinGen allele CA366134195.